The following is an entry in ClinVar:

NM_021927.3(GUF1):c.1186C>G (p.Leu396Val)

Gene: GUF1 (GTP binding elongation factor GUF1; plus strand). Cytogenetic location: 4p12.
Variant type: single nucleotide variant.
Coding change: c.1186C>G on transcript NM_021927.3 (MANE Select); coding-DNA position 1186, C replaced by G.
Protein change: p.Leu396Val; replaces leucine 396 with valine.
Molecular consequence: missense variant.
Genome position (GRCh38, 1-based): chr4:44,689,393, C>G. VCF-style: chr4-44689393-C-G. GRCh37 (hg19) VCF-style: chr4-44691410-C-G.
Other names: c.214C>G, p.Leu72Val (NM_001345867.2, NM_001345869.2); c.1186C>G, p.Leu396Val (NM_001345868.2); short protein forms L72V, L396V.
Identifiers: ClinVar variation 1361884 (VCV001361884.8), dbSNP rs763786190, ClinGen allele CA2905556.

ClinVar aggregate classification (germline): Uncertain significance (1 of 4 stars; one submission).

Allele frequency attached by ClinVar (database versions not stated): gnomAD exomes below 0.00001; ExAC 0.00001.
gnomAD v4.1: 2 of 1,605,194 alleles (0.00012%); highest among the groups gnomAD compares: East Asian, 0.0022%; no homozygotes.

Submission:

Labcorp Genetics (formerly Invitae), Labcorp
Classification: Uncertain significance. Last evaluated: 2021-01-01. Review status: criteria provided, single submitter. Criteria: Invitae Variant Classification Sherloc (09022015). Collection method: clinical testing. Allele origin: germline.
Comment: In summary, the available evidence is currently insufficient to determine the role of this variant in disease. Therefore, it has been classified as a Variant of Uncertain Significance. Algorithms developed to predict the effect of sequence changes on RNA splicing suggest that this variant may create or strengthen a splice site, but this prediction has not been confirmed by published transcriptional studies. Algorithms developed to predict the effect of missense changes on protein structure and function are either unavailable or do not agree on the potential impact of this missense change (SIFT: "Deleterious"; PolyPhen-2: "Probably Damaging"; Align-GVGD: "Class C0"). This variant has not been reported in the literature in individuals with GUF1-related conditions. This variant is present in population databases (rs763786190, ExAC 0.01%). This sequence change replaces leucine with valine at codon 396 of the GUF1 protein (p.Leu396Val). The leucine residue is highly conserved and there is a small physicochemical difference between leucine and valine.